The following is an entry in ClinVar:

NM_000454.5(SOD1):c.72+6G>A

Genes: SOD1 (superoxide dismutase 1; plus strand), SOD1-DT (SOD1 divergent transcript; minus strand). Cytogenetic location: 21q22.11.
Variant type: single nucleotide variant.
Coding change: c.72+6G>A on transcript NM_000454.5 (MANE Select); 6 bases into the intron after coding-DNA position 72, G replaced by A.
Molecular consequence: intron variant. On other transcripts: non-coding transcript variant (1).
Genome position (GRCh38, 1-based): chr21:31,659,847, G>A. VCF-style: chr21-31659847-G-A. GRCh37 (hg19) VCF-style: chr21-33032160-G-A.
Other names: c.72+6G>A (NM_000454.4).
Identifiers: ClinVar variation 4693362 (VCV004693362.2).

ClinVar aggregate classification (germline): Conflicting classifications of pathogenicity. Review status: criteria provided, conflicting classifications (1 of 4 stars). 2 submissions from 2 submitters: Uncertain significance (1); Likely benign (1). Last evaluated 2025-08-02.

Conditions:
SOD1-related disorder. Also called: SOD1-related condition.
Amyotrophic lateral sclerosis type 1 (ALS1). Also called: AMYOTROPHIC LATERAL SCLEROSIS 1, FAMILIAL. Identifiers: Orphanet 803, MedGen C1862939, MONDO:0007103, OMIM 105400.

gnomAD v4.1: 4 of 1,612,772 alleles (0.00025%); highest among the groups gnomAD compares: Non-Finnish European, 0.00025%; no homozygotes.

Submissions (2):

Labcorp Genetics (formerly Invitae), Labcorp
Classification: Uncertain significance for Amyotrophic lateral sclerosis type 1. Last evaluated: 2025-08-02. Review status: criteria provided, single submitter. Criteria: Invitae Variant Classification Sherloc (09022015). Collection method: clinical testing. Allele origin: germline.
Comment: This sequence change falls in intron 1 of the SOD1 gene. It does not directly change the encoded amino acid sequence of the SOD1 protein. It affects a nucleotide within the consensus splice site. This variant is present in population databases (no rsID available, gnomAD 0.0009%). This variant has not been reported in the literature in individuals affected with SOD1-related conditions. Variants that disrupt the consensus splice site are a relatively common cause of aberrant splicing (PMID: 17576681, 9536098). Algorithms developed to predict the effect of sequence changes on RNA splicing suggest that this variant is not likely to affect RNA splicing. In summary, the available evidence is currently insufficient to determine the role of this variant in disease. Therefore, it has been classified as a Variant of Uncertain Significance.

PreventionGenetics, part of Exact Sciences
Classification: Likely benign for SOD1-related condition. Last evaluated: 2025-06-01. Review status: criteria provided, single submitter. Criteria: ACMG Guidelines, 2015. Collection method: clinical testing. Allele origin: germline.
Comment: This variant is classified as likely benign based on ACMG/AMP sequence variant interpretation guidelines (Richards et al. 2015 PMID: 25741868, with internal and published modifications).

Literature cited by the submitters: PubMed 17576681 (cited by Labcorp Genetics (formerly Invitae), Labcorp); PubMed 9536098 (cited by Labcorp Genetics (formerly Invitae), Labcorp).